The following is an entry in ClinVar:

NM_000500.9(CYP21A2):c.92C>T (p.Pro31Leu)

Genes: CYP21A2 (cytochrome P450 family 21 subfamily A member 2; plus strand), LOC106780800 (CYP21A2 recombination region; plus strand). Cytogenetic location: 6p21.33.
Variant type: single nucleotide variant.
Coding change: c.92C>T on transcript NM_000500.9 (MANE Select); coding-DNA position 92, C replaced by T.
Protein change: p.Pro31Leu; replaces proline 31 with leucine.
Molecular consequence: missense variant. On other transcripts: 5 prime UTR variant (2).
Genome position (GRCh38, 1-based): chr6:32,038,514, C>T. VCF-style: chr6-32038514-C-T. GRCh37 (hg19) VCF-style: chr6-32006291-C-T.
Other names: P30L; p.Pro31Leu (legacy p.Pro30Leu); dbSNP:rs9378251; c.92C>T, p.Pro31Leu (NM_001128590.4); c.-333C>T (NM_001368143.2); c.-243C>T (NM_001368144.2); short protein forms P31L.
Identifiers: ClinVar variation 12153 (VCV000012153.38), dbSNP rs9378251, ClinGen allele CA341183.

ClinVar aggregate classification (germline): Pathogenic/Likely pathogenic. Review status: criteria provided, multiple submitters, no conflicts (2 of 4 stars). 24 submissions from 24 submitters: Pathogenic (20); Likely pathogenic (1). 3 of the submissions do not count toward it. Last evaluated 2026-08-31.

Conditions:
CYP21A2-related disorder. Also called: CYP21A2-related condition.
21-Hydroxylase-Deficient Congenital Adrenal Hyperplasia. Also called: ADRENAL HYPERPLASIA, CONGENITAL, DUE TO 21-HYDROXYLASE DEFICIENCY; ADRENAL HYPERPLASIA III. Identifiers: MedGen C2936858, OMIM 201910.

Allele frequency attached by ClinVar (database versions not stated): gnomAD exomes 0.00010 and 0.00009; gnomAD 0.00055 and 0.00051; 1000 Genomes Project 30x 0.00078; 1000 Genomes Project 0.00020.
gnomAD v4.1: 227 of 1,607,244 alleles (0.014%); highest among the groups gnomAD compares: African/African-American, 0.053%; 2 homozygotes.

Submissions 1 to 12 of 24:

PreventionGenetics, part of Exact Sciences
Classification: Pathogenic for CYP21A2-related condition. Last evaluated: 2026-08-31. Review status: criteria provided, single submitter. Criteria: ACMG Guidelines, 2015. Collection method: clinical testing. Allele origin: germline.
Comment: The CYP21A2 c.92C>T variant is predicted to result in the amino acid substitution p.Pro31Leu. This is a common deleterious variant that likely originated from the pseudogene CYP21A1P via gene conversion. This variant is a milder allele associated with non-classic congenital adrenal hyperplasia (CAH) (also known as P30L; see for example at Finkielstain et al. 2011. PubMed ID: 20926536; New et al. 2013. PubMed ID: 23359698). This variant is interpreted as pathogenic.

Department of Medical Genetics, Ordu University Medical School Training and Research Hospital
Classification: Pathogenic for 21-Hydroxylase-Deficient Congenital Adrenal Hyperplasia. Last evaluated: 2026-07-18. Review status: criteria provided, single submitter. Criteria: ACMG Guidelines, 2015. Collection method: research. Allele origin: germline. Inheritance: Autosomal recessive inheritance. Affected: yes. Observed: 4 variant alleles, 2 heterozygotes, 2 homozygotes.
Comment: This variant (NM_000500.9:c.92C>T, p.Pro31Leu) is a well-known non-classic (mild) 21-hydroxylase deficiency allele. ACMG/AMP criteria applied: PS3 (functional studies show markedly reduced 21-hydroxylase enzyme activity consistent with the non-classic phenotype), PM3 (detected in trans with a pathogenic allele in a patient with 21-hydroxylase deficiency), PP4 (patient phenotype and biochemistry are highly specific for CYP21A2-related disease), and PP5 (previously reported as Pathogenic by multiple submitters in ClinVar). Combined evidence meets the ACMG 2015 criteria for a Pathogenic classification.

Medical and Scientific Branch, Hong Kong Genome Institute
Classification: Pathogenic for 21-Hydroxylase-Deficient Congenital Adrenal Hyperplasia. Last evaluated: 2026-01-26. Review status: criteria provided, single submitter. Criteria: ACMG Guidelines, 2015. Collection method: clinical testing. Allele origin: maternal. Affected: yes.

Labcorp Genetics (formerly Invitae), Labcorp
Classification: Pathogenic. Last evaluated: 2026-01-24. Review status: criteria provided, single submitter. Criteria: Invitae Variant Classification Sherloc (09022015). Collection method: clinical testing. Allele origin: germline.
Comment: This sequence change replaces proline, which is neutral and non-polar, with leucine, which is neutral and non-polar, at codon 31 of the CYP21A2 protein (p.Pro31Leu). The frequency data for this variant in the population databases (gnomAD) is considered unreliable due to the presence of homologous sequence, such as pseudogenes or paralogs, in the genome. This missense change has been observed in individual(s) with classic salt-wasting, simple virilizing, and non-classic congenital adrenal hyperplasia due to 21-hydroxylase deficiency (PMID: 2072928, 23142378, 23359698, 26804566, 31446012). In at least one individual the data is consistent with being in trans (on the opposite chromosome) from a pathogenic variant. This variant is also known as P30L. ClinVar contains an entry for this variant (Variation ID: 12153). Invitae Evidence Modeling of protein sequence and biophysical properties (such as structural, functional, and spatial information, amino acid conservation, physicochemical variation, residue mobility, and thermodynamic stability) indicates that this missense variant is not expected to disrupt CYP21A2 protein function with a negative predictive value of 80%. Experimental studies have shown that this missense change affects CYP21A2 function (PMID: 2072928, 28539365). For these reasons, this variant has been classified as Pathogenic.

Hema, HEMA – Genetic and Molecular Diagnostic Laboratory
Classification: Pathogenic for 21-Hydroxylase-Deficient Congenital Adrenal Hyperplasia. Last evaluated: 2025-12-02. Review status: criteria provided, single submitter. Criteria: HEMA Variant Classification Assertion Criteria. Collection method: clinical testing. Allele origin: germline.
Comment: The c.92C>T variant is a transition from cytosine to thymine, resulting in the substitution of proline 31 by leucine in the 21-hydroxylase protein. Traditionally, it is known as Pro30Leu, following a previous nomenclature. PS3: Functional studies showed that the variant affects the enzymatic activity of the protein (PMID: 24953648, 28539365, 2072928). PM3_VeryStrong: The variant has been reported in the heterozygous state in compound heterozygosity with pathogenic variants in CYP21A2 in at least 13 individuals with confirmed congenital adrenal hyperplasia in trans, 103 individuals with unknown phase, and 5 homozygotes (PMID: 1644925, 20926536, 9215318, 10720040, 15670187, 21329531, 23359698, 25553759, 32289882, 33809035, 40552539). PP1: The variant cosegregated with congenital adrenal hyperplasia in an affected individual (PMID: 9215318). PM2_Supporting: Present at very low frequency in the gnomAD v4.1.0 database.

Lildballe Lab, Aarhus University Hospital
Classification: Pathogenic for congenital adrenal hyperplasia, due to 21-hydroxylase deficiency. Last evaluated: 2025-10-09. Review status: criteria provided, single submitter. Criteria: ACMG Guidelines, 2015. Collection method: research. Allele origin: germline. Affected: yes.
Comment: PS3sup PM2sup PM5 PM1sup PP2 PM3 PS4mod

Athena Diagnostics
Classification: Pathogenic. Last evaluated: 2025-05-06. Review status: criteria provided, single submitter. Criteria: Athena Diagnostics Criteria. Collection method: clinical testing. Allele origin: unknown.
Comment: Frequency data for this variant in the general population cannot be distinguished from that of the CYP21P pseudogene, and are therefore uninformative in assessment of variant pathogenicity (Genome Aggregation Database (gnomAD), Cambridge, MA (URL)). In multiple individuals, this variant has been seen in trans with other recessive pathogenic variants in CYP21A2, suggesting this variant is also pathogenic. This variant has been reported to associate with non-classic congenital adrenal hyperplasia (CAH). In some published literature, this variant is referred to as Pro30Leu or *8. Assessment of experimental evidence suggests this variant results in abnormal protein function. Studies have shown this variant significantly reduces enzymatic activity (PMID: 20080860, 23927611, 24953648, 28539365).

Quest Diagnostics Nichols Institute San Juan Capistrano
Classification: Pathogenic. Last evaluated: 2025-05-06. Review status: criteria provided, single submitter. Criteria: Quest Diagnostics criteria. Collection method: clinical testing. Allele origin: unknown.
Comment: The CYP21A2 c.92C>T (p.Pro31Leu) variant (also known as P30L or *8) is usually associated with non-classic CAH (PMID: 2072928 (1991), 9215318 (1997), 14502362 (2003), 16487445 (2006), 26206692 (2015), 20661889 (2010), 20818501 (2010), 20838032 (2011), 20926536 (2011), 21843885 (2011), 22156666 (2012), 33809035 (2021)). This variant has also been reported in individuals with simple virilizing (PMID: 15670187 (2005), 18702679 (2009), 26804566 (2016), 21329531 (2011), 22156666 (2012), 25553759 (2015), 27041116 (2016)) and salt-wasting CAH (PMID: 21329531 (2011), 25553759 (2015), 27041116 (2016), 32965796 (2020)). Functional studies indicate this variant moderately reduces CYP21A2 enzyme activity (PMID: 2072928 (1991), 20080860 (2010), 28539365 (2017)). The frequency of this variant in the general population (Genome Aggregation Database) is consistent with disease. Based on the available information, this variant is classified as pathogenic.

Revvity Omics, Revvity
Classification: Pathogenic. Last evaluated: 2025-02-28. Review status: criteria provided, single submitter. Criteria: ACMG Guidelines, 2015. Collection method: clinical testing. Allele origin: germline.

Genomic Medicine Center of Excellence, King Faisal Specialist Hospital and Research Centre
Classification: Pathogenic for 21-Hydroxylase-Deficient Congenital Adrenal Hyperplasia. Last evaluated: 2024-12-10. Review status: criteria provided, single submitter. Criteria: ACMG Guidelines, 2015. Collection method: clinical testing. Allele origin: germline.
Comment: PS3, PM1, PM2, PM5, PP5, BP4

Blueprint Genetics
Classification: Pathogenic for CYP21A2-related disorders. Last evaluated: 2024-11-04. Review status: criteria provided, single submitter. Criteria: ACMG Guidelines, 2015. Collection method: clinical testing. Allele origin: de novo. Affected: yes. Observed: 5 variant alleles.

3billion
Classification: Likely pathogenic for 21-Hydroxylase-Deficient Congenital Adrenal Hyperplasia. Last evaluated: 2023-10-28. Review status: criteria provided, single submitter. Criteria: ACMG Guidelines, 2015. Collection method: clinical testing. Allele origin: germline. Affected: yes.
Comment: The variant is observed at an extremely low frequency in the gnomAD v2.1.1 dataset (total allele frequency: 0.016%). However, frequency data for this variant in the general population cannot be distinguished from that of the (CYP21P) pseudogene, and are therefore uninformative in assessment of variant pathogenicity. Predicted Consequence/Location: Missense variant Same nucleotide change resulting in same amino acid change has been previously reported as pathogenic/likely pathogenic with strong evidence (ClinVar ID: VCV000012153 /PMID: 2072928). Different missense changes at the same codon (p.Pro31Gln, p.Pro31Ser) have been reported as pathogenic/likely pathogenic with strong evidence (ClinVar ID: VCV000988330, VCV002573056 /PMID: 10198222). Therefore, this variant is classified as Likely pathogenic according to the recommendation of ACMG/AMP guideline.